The following is an entry in ClinVar:

NM_194454.3(KRIT1):c.707C>A (p.Ser236Ter)

Gene: KRIT1 (KRIT1 ankyrin repeat containing; minus strand). Cytogenetic location: 7q21.2.
Variant type: single nucleotide variant.
Coding change: c.707C>A on transcript NM_194454.3 (MANE Select); coding-DNA position 707, C replaced by A.
Protein change: p.Ser236Ter; replaces serine 236 with a stop codon.
Molecular consequence: nonsense. On other transcripts: intron variant (1).
Genome position (GRCh38, 1-based): chr7:92,235,425, G>T on the plus strand (C>A on the coding strand, the complement: KRIT1 is on the minus strand). VCF-style: chr7-92235425-G-T. GRCh37 (hg19) VCF-style: chr7-91864739-G-T.
Other names: c.707C>A, p.Ser236Ter (NM_001013406.2, NM_001350669.1, NM_001350670.1 and 29 more transcripts); c.15+109C>A (NM_001350671.1); short protein forms S236*.
Identifiers: ClinVar variation 1422727 (VCV001422727.6), dbSNP rs1563305269, ClinGen allele CA368159460.
Genomic context (GRCh38, chr7:92,235,425, plus strand): 5'-GTCTTTTAAATCAGAGCTAAAATTCATTCAACTCTTACCCGATTTGTATACTGAAGATCT[G>T]ATCCAAACAAAGGGTTGTAAATACAGGTATCTGCTTTCTCTAGGGCTAACATTTTACTCT-3'

ClinVar aggregate classification (germline): Pathogenic (1 of 4 stars; one submission).

Conditions:
Cerebral cavernous malformation (CCM). Also called: Cavernous Hemangioma of Brain; CAVERNOUS ANGIOMA, FAMILIAL; CAVERNOUS ANGIOMATOUS MALFORMATIONS; CEREBRAL CAPILLARY MALFORMATIONS; Cerebral cavernous hemangioma (type); Cerebral cavernous malformations. Identifiers: Orphanet 221061, MedGen C2919945, MONDO:0000820, OMIM 116860, HP:0033522.

Submission:

Labcorp Genetics (formerly Invitae), Labcorp
Classification: Pathogenic for Cerebral cavernous malformation. Last evaluated: 2022-09-21. Review status: criteria provided, single submitter. Criteria: Invitae Variant Classification Sherloc (09022015). Collection method: clinical testing. Allele origin: germline.
Comment: For these reasons, this variant has been classified as Pathogenic. This variant has not been reported in the literature in individuals affected with KRIT1-related conditions. This variant is not present in population databases (gnomAD no frequency). This sequence change creates a premature translational stop signal (p.Ser236*) in the KRIT1 gene. It is expected to result in an absent or disrupted protein product. Loss-of-function variants in KRIT1 are known to be pathogenic (PMID: 10508515, 11222804, 12404106, 24689081).

Literature cited by the submitters: PubMed 10508515; PubMed 11222804; PubMed 12404106; PubMed 24689081.